The following is an entry in ClinVar:

ClinVar aggregate classification (germline): Uncertain significance (1 of 4 stars; one submission).

Conditions:
Hereditary breast ovarian cancer syndrome. Also called: Hereditary breast and ovarian cancer syndrome; Hereditary breast and ovarian cancer syndrome (HBOC); BRCA1- and BRCA2-Associated Hereditary Breast and Ovarian Cancer; Hereditary breast and ovarian cancer; Breast and ovarian cancer; Hereditary breast and/or ovarian cancer syndrome. Identifiers: Orphanet 145, MedGen C0677776, MeSH D061325, MONDO:0003582. Disease mechanism: loss of function.

Submission:

Labcorp Genetics (formerly Invitae), Labcorp
Classification: Uncertain significance for Hereditary breast ovarian cancer syndrome. Last evaluated: 2024-12-08. Review status: criteria provided, single submitter. Criteria: Invitae Variant Classification Sherloc (09022015). Collection method: clinical testing. Allele origin: germline.
Comment: This sequence change replaces leucine, which is neutral and non-polar, with proline, which is neutral and non-polar, at codon 440 of the BRCA2 protein (p.Leu440Pro). This variant is not present in population databases (gnomAD no frequency). This variant has not been reported in the literature in individuals affected with BRCA2-related conditions. Invitae Evidence Modeling of protein sequence and biophysical properties (such as structural, functional, and spatial information, amino acid conservation, physicochemical variation, residue mobility, and thermodynamic stability) indicates that this missense variant is not expected to disrupt BRCA2 protein function with a negative predictive value of 95%. In summary, the available evidence is currently insufficient to determine the role of this variant in disease. Therefore, it has been classified as a Variant of Uncertain Significance.

NM_000059.4(BRCA2):c.1319T>C (p.Leu440Pro)

Gene: BRCA2 (BRCA2 DNA repair associated; plus strand). Cytogenetic location: 13q13.1.
Variant type: single nucleotide variant.
Coding change: c.1319T>C on transcript NM_000059.4 (MANE Select); coding-DNA position 1319, T replaced by C.
Protein change: p.Leu440Pro; replaces leucine 440 with proline.
Molecular consequence: missense variant. On other transcripts: non-coding transcript variant (1), intron variant (1).
Genome position (GRCh38, 1-based): chr13:32,332,797, T>C. VCF-style: chr13-32332797-T-C. GRCh37 (hg19) VCF-style: chr13-32906934-T-C.
Other names: c.1319T>C, p.Leu440Pro (NM_001406719.1, NM_001406720.1, NM_001406721.1 and 1 more transcripts); c.424+1767T>C (NM_001406722.1); short protein forms L440P.
Identifiers: ClinVar variation 3636417 (VCV003636417.2).